The following is an entry in ClinVar:

ClinVar aggregate classification (germline): Uncertain significance (1 of 4 stars; one submission).

Conditions:
Hereditary cancer-predisposing syndrome. Also called: Neoplastic Syndromes, Hereditary; Tumor predisposition; Hereditary Cancer Syndrome; Hereditary neoplastic syndrome. Identifiers: Orphanet 140162, MedGen C0027672, MeSH D009386, MONDO:0015356.

Submission:

Ambry Genetics
Classification: Uncertain significance for Hereditary cancer-predisposing syndrome. Last evaluated: 2026-03-20. Review status: criteria provided, single submitter. Criteria: Ambry Variant Classification Scheme 2023. Collection method: clinical testing. Allele origin: germline.
Comment: The p.L469V variant (also known as c.1405C>G), located in coding exon 10 of the CTNNA1 gene, results from a C to G substitution at nucleotide position 1405. The leucine at codon 469 is replaced by valine, an amino acid with highly similar properties. This amino acid position is conserved. In addition, this alteration is predicted to be tolerated by in silico analysis. Based on the available evidence, the clinical significance of this variant remains unclear.

NM_001903.5(CTNNA1):c.1405C>G (p.Leu469Val)

Gene: CTNNA1 (catenin alpha 1; plus strand). Cytogenetic location: 5q31.2.
Variant type: single nucleotide variant.
Coding change: c.1405C>G on transcript NM_001903.5 (MANE Select); coding-DNA position 1405, C replaced by G.
Protein change: p.Leu469Val; replaces leucine 469 with valine.
Molecular consequence: missense variant. On other transcripts: 5 prime UTR variant (5).
Genome position (GRCh38, 1-based): chr5:138,917,757, C>G. VCF-style: chr5-138917757-C-G. GRCh37 (hg19) VCF-style: chr5-138253446-C-G.
Other names: c.1405C>G, p.Leu469Val (NM_001290307.3, NM_001323982.2, NM_001323983.1 and 2 more transcripts); c.1096C>G, p.Leu366Val (NM_001290309.3); c.1036C>G, p.Leu346Val (NM_001290310.3); c.295C>G, p.Leu99Val (NM_001290312.1, NM_001323987.1, NM_001323988.1 and 17 more transcripts); c.1312C>G, p.Leu438Val (NM_001323986.2); c.-45C>G (NM_001324006.1, NM_001324007.1, NM_001324008.1 and 2 more transcripts); c.202C>G, p.Leu68Val (NM_001324011.1); c.52C>G, p.Leu18Val (NM_001324012.1, NM_001324013.1); short protein forms L18V, L346V, L366V, L438V, L469V, L68V, L99V.
Identifiers: ClinVar variation 4869459 (VCV004869459.1).